The following is an entry in ClinVar:

ClinVar aggregate classification (germline): Uncertain significance. Review status: criteria provided, multiple submitters, no conflicts (2 of 4 stars). 2 submissions from 2 submitters: Uncertain significance (2). Last evaluated 2022-08-23.

Conditions:
Tumor predisposition syndrome 3 (TPDS3). Also called: Glioma susceptibility 9; LONG TELOMERE SYNDROME, POT1-RELATED; POT1 Tumor Predisposition; Melanoma, cutaneous malignant, susceptibility to, 10. Identifiers: Orphanet 618, MedGen C4014476, MONDO:0014368, OMIM 615848.
Hereditary cancer-predisposing syndrome. Also called: Hereditary neoplastic syndrome; Hereditary Cancer Syndrome; Neoplastic Syndromes, Hereditary; Tumor predisposition. Identifiers: Orphanet 140162, MedGen C0027672, MeSH D009386, MONDO:0015356.

Allele frequency attached by ClinVar (database versions not stated): gnomAD exomes below 0.00001.
gnomAD v4.1: 1 of 1,611,402 alleles (0.000062%); highest among the groups gnomAD compares: African/African-American, 0.0013%; no homozygotes.

Submissions (2):

Ambry Genetics
Classification: Uncertain significance for Hereditary cancer-predisposing syndrome. Last evaluated: 2022-08-23. Review status: criteria provided, single submitter. Criteria: Ambry Variant Classification Scheme 2023. Collection method: clinical testing. Allele origin: germline.
Comment: The p.L366S variant (also known as c.1097T>C), located in coding exon 9 of the POT1 gene, results from a T to C substitution at nucleotide position 1097. The leucine at codon 366 is replaced by serine, an amino acid with dissimilar properties. This amino acid position is highly conserved in available vertebrate species. In addition, this alteration is predicted to be deleterious by in silico analysis. Since supporting evidence is limited at this time, the clinical significance of this alteration remains unclear.

Labcorp Genetics (formerly Invitae), Labcorp
Classification: Uncertain significance for Tumor predisposition syndrome 3. Last evaluated: 2022-03-05. Review status: criteria provided, single submitter. Criteria: Invitae Variant Classification Sherloc (09022015). Collection method: clinical testing. Allele origin: germline.
Comment: In summary, the available evidence is currently insufficient to determine the role of this variant in disease. Therefore, it has been classified as a Variant of Uncertain Significance. Algorithms developed to predict the effect of missense changes on protein structure and function are either unavailable or do not agree on the potential impact of this missense change (SIFT: "Deleterious"; PolyPhen-2: "Possibly Damaging"; Align-GVGD: "Class C0"). ClinVar contains an entry for this variant (Variation ID: 486138). This variant has not been reported in the literature in individuals affected with POT1-related conditions. This variant is not present in population databases (gnomAD no frequency). This sequence change replaces leucine, which is neutral and non-polar, with serine, which is neutral and polar, at codon 366 of the POT1 protein (p.Leu366Ser).

NM_015450.3(POT1):c.1097T>C (p.Leu366Ser)

Gene: POT1 (protection of telomeres 1; minus strand). Cytogenetic location: 7q31.33.
Variant type: single nucleotide variant.
Coding change: c.1097T>C on transcript NM_015450.3 (MANE Select); coding-DNA position 1097, T replaced by C.
Protein change: p.Leu366Ser; replaces leucine 366 with serine.
Molecular consequence: missense variant. On other transcripts: non-coding transcript variant (3).
Genome position (GRCh38, 1-based): chr7:124,842,873, A>G on the plus strand (T>C on the coding strand, the complement: POT1 is on the minus strand). VCF-style: chr7-124842873-A-G. GRCh37 (hg19) VCF-style: chr7-124482927-A-G.
Other names: c.704T>C, p.Leu235Ser (NM_001042594.2); short protein forms L366S, L235S.
Identifiers: ClinVar variation 486138 (VCV000486138.15), dbSNP rs1554420620, ClinGen allele CA369068346.